The following is an entry in ClinVar:

ClinVar aggregate classification (germline): Uncertain significance. Review status: criteria provided, single submitter (1 of 4 stars). 3 submissions from 3 submitters: Uncertain significance (1). 2 of the submissions do not count toward it. Last evaluated 2025-01-29.

Conditions:
AIRE-related disorder. Also called: AIRE-related condition.
Polyglandular autoimmune syndrome, type 1 (APS1). Also called: Autoimmune polyendocrinopathy syndrome, type I; Autoimmune polyendocrinopathy syndrome , type I, with or without reversible metaphyseal dysplasia; HYPOADRENOCORTICISM WITH HYPOPARATHYROIDISM AND SUPERFICIAL MONILIASIS; Autoimmune polyendocrine syndrome type 1; AUTOIMMUNE POLYENDOCRINE SYNDROME, TYPE I, WITH OR WITHOUT REVERSIBLE METAPHYSEAL DYSPLASIA; APS I. Identifiers: Orphanet 3453, MedGen C0085859, MONDO:0009411, OMIM 240300.

Allele frequency attached by ClinVar (database versions not stated): ExAC 0.00004; gnomAD exomes 0.00006 and 0.00019; TOPMed 0.00011; gnomAD 0.00012; ESP Exome Variant Server 0.00015.
gnomAD v4.1: 307 of 1,611,676 alleles (0.019%); highest among the groups gnomAD compares: Non-Finnish European, 0.024%; no homozygotes.

Submissions (3):

Labcorp Genetics (formerly Invitae), Labcorp
Classification: Uncertain significance for Polyglandular autoimmune syndrome, type 1. Last evaluated: 2025-01-29. Review status: criteria provided, single submitter. Criteria: Invitae Variant Classification Sherloc (09022015). Collection method: clinical testing. Allele origin: germline.
Comment: This sequence change replaces serine, which is neutral and polar, with leucine, which is neutral and non-polar, at codon 187 of the AIRE protein (p.Ser187Leu). This variant is present in population databases (rs143952576, gnomAD 0.01%). This variant has not been reported in the literature in individuals affected with AIRE-related conditions. ClinVar contains an entry for this variant (Variation ID: 646302). Invitae Evidence Modeling of protein sequence and biophysical properties (such as structural, functional, and spatial information, amino acid conservation, physicochemical variation, residue mobility, and thermodynamic stability) has been performed for this missense variant. However, the output from this modeling did not meet the statistical confidence thresholds required to predict the impact of this variant on AIRE protein function. Algorithms developed to predict the effect of sequence changes on RNA splicing suggest that this variant may disrupt the consensus splice site. In summary, the available evidence is currently insufficient to determine the role of this variant in disease. Therefore, it has been classified as a Variant of Uncertain Significance.

PreventionGenetics, part of Exact Sciences
Classification: Likely benign for AIRE-related condition. Last evaluated: 2023-12-22. Review status: no assertion criteria provided. Collection method: clinical testing. Allele origin: germline. Not counted in ClinVar's aggregate classification.
Comment: This variant is classified as likely benign based on ACMG/AMP sequence variant interpretation guidelines (Richards et al. 2015 PMID: 25741868, with internal and published modifications).

Natera, Inc.
Classification: Uncertain significance for Polyglandular autoimmune syndrome type 1. Last evaluated: 2020-02-26. Review status: no assertion criteria provided. Collection method: clinical testing. Allele origin: germline. Not counted in ClinVar's aggregate classification.

NM_000383.4(AIRE):c.560C>T (p.Ser187Leu)

Gene: AIRE (autoimmune regulator; plus strand). Cytogenetic location: 21q22.3.
Variant type: single nucleotide variant.
Coding change: c.560C>T on transcript NM_000383.4 (MANE Select); coding-DNA position 560, C replaced by T.
Protein change: p.Ser187Leu; replaces serine 187 with leucine.
Molecular consequence: missense variant.
Genome position (GRCh38, 1-based): chr21:44,288,366, C>T. VCF-style: chr21-44288366-C-T. GRCh37 (hg19) VCF-style: chr21-45708249-C-T.
Other names: short protein forms S187L.
Identifiers: ClinVar variation 646302 (VCV000646302.10), dbSNP rs143952576, ClinGen allele CA10051625.